The following is an entry in ClinVar:

ClinVar aggregate classification (germline): Uncertain significance (1 of 4 stars; one submission).

Conditions:
Wilms tumor 1 (WT1). Also called: Wilms tumor, somatic. Identifiers: Orphanet 654, MedGen CN033288, MONDO:0008679, OMIM 194070.

Submission:

Labcorp Genetics (formerly Invitae), Labcorp
Classification: Uncertain significance for Wilms tumor 1. Last evaluated: 2023-11-17. Review status: criteria provided, single submitter. Criteria: Invitae Variant Classification Sherloc (09022015). Collection method: clinical testing. Allele origin: germline.
Comment: This sequence change replaces serine, which is neutral and polar, with phenylalanine, which is neutral and non-polar, at codon 153 of the GPC3 protein (p.Ser153Phe). This variant is not present in population databases (gnomAD no frequency). This variant has not been reported in the literature in individuals affected with GPC3-related conditions. ClinVar contains an entry for this variant (Variation ID: 1513222). Advanced modeling of protein sequence and biophysical properties (such as structural, functional, and spatial information, amino acid conservation, physicochemical variation, residue mobility, and thermodynamic stability) performed at Invitae indicates that this missense variant is expected to disrupt GPC3 protein function with a positive predictive value of 80%. In summary, the available evidence is currently insufficient to determine the role of this variant in disease. Therefore, it has been classified as a Variant of Uncertain Significance.

NM_004484.4(GPC3):c.458C>T (p.Ser153Phe)

Gene: GPC3 (glypican 3; minus strand). Cytogenetic location: Xq26.2.
Variant type: single nucleotide variant.
Coding change: c.458C>T on transcript NM_004484.4 (MANE Select); coding-DNA position 458, C replaced by T.
Protein change: p.Ser153Phe; replaces serine 153 with phenylalanine.
Molecular consequence: missense variant.
Genome position (GRCh38, 1-based): chrX:133,754,056, G>A on the plus strand (C>T on the coding strand, the complement: GPC3 is on the minus strand). VCF-style: chrX-133754056-G-A. GRCh37 (hg19) VCF-style: chrX-132888083-G-A.
Other names: c.458C>T, p.Ser153Phe (NM_001164617.2); c.410C>T, p.Ser137Phe (NM_001164618.2); c.296C>T, p.Ser99Phe (NM_001164619.2); short protein forms S99F, S137F, S153F.
Identifiers: ClinVar variation 1513222 (VCV001513222.8), dbSNP rs1310073855, ClinGen allele CA414706584.